The following is an entry in ClinVar:

ClinVar aggregate classification (germline): Benign (3 of 4 stars; one submission).

Conditions:
Breast-ovarian cancer, familial, susceptibility to, 1 (BROVCA1). Also called: BRCA1 Hereditary Breast and Ovarian Cancer; OVARIAN CANCER, SUSCEPTIBILITY TO. Identifiers: Orphanet 145, MedGen C2676676, MONDO:0011450, OMIM 604370. Disease mechanism: loss of function.

Allele frequency attached by ClinVar (database versions not stated): 1000 Genomes Project 30x 0.00406; gnomAD 0.00475 and 0.00514; 1000 Genomes Project 0.00499; TOPMed 0.00522.
gnomAD v4.1: 714 of 152,292 alleles (0.47%); highest among the groups gnomAD compares: African/African-American, 1.6%; 10 homozygotes.

Submission:

Evidence-based Network for the Interpretation of Germline Mutant Alleles (ENIGMA)
Classification: Benign for Breast-ovarian cancer, familial 1. Last evaluated: 2015-01-12. Review status: reviewed by expert panel. Criteria: ENIGMA BRCA1/2 Classification Criteria (2015). Collection method: curation. Allele origin: germline.
Comment: Class 1 not pathogenic based on frequency >1% in an outbred sampleset. Frequency 0.02033 (African), derived from 1000 genomes (2012-04-30).

NM_007294.4(BRCA1):c.5278-884A>G

Gene: BRCA1 (BRCA1 DNA repair associated; minus strand). Cytogenetic location: 17q21.31.
Variant type: single nucleotide variant.
Coding change: c.5278-884A>G on transcript NM_007294.4 (MANE Select); 884 bases into the intron before coding-DNA position 5278, A replaced by G.
Molecular consequence: intron variant.
Genome position (GRCh38, 1-based): chr17:43,052,001, T>C on the plus strand (A>G on the coding strand, the complement: BRCA1 is on the minus strand). VCF-style: chr17-43052001-T-C. GRCh37 (hg19) VCF-style: chr17-41204018-T-C.
Other names: IVS 20-884A>G; c.1966-884A>G (NM_007299.4, NM_001407991.1, NM_001407984.1 and 12 more transcripts); c.1969-884A>G (NM_001407974.1, NM_001407973.1, NM_001407975.1 and 3 more transcripts); c.2671-884A>G (NM_001407969.1); c.2674-884A>G (NM_001407968.1); c.5272-884A>G (NM_001407640.1, NM_001407631.1, NM_001407638.1 and 14 more transcripts); c.5275-884A>G (NM_001407626.1, NM_001407617.1, NM_001407622.1 and 17 more transcripts); c.5200-884A>G (NM_001407652.1, NM_001407653.1, NM_001407655.1 and 1 more transcripts); and 75 more.
Identifiers: ClinVar variation 209263 (VCV000209263.2), dbSNP rs113892722, ClinGen allele CA276235.